The following is an entry in ClinVar:

ClinVar aggregate classification (germline): Uncertain significance. Review status: criteria provided, multiple submitters, no conflicts (2 of 4 stars). 2 submissions from 2 submitters: Uncertain significance (2). Last evaluated 2025-07-01.

Conditions:
Hereditary cancer-predisposing syndrome. Also called: Hereditary neoplastic syndrome; Neoplastic Syndromes, Hereditary; Hereditary Cancer Syndrome; Tumor predisposition. Identifiers: Orphanet 140162, MedGen C0027672, MeSH D009386, MONDO:0015356.

Submissions (2):

Ambry Genetics
Classification: Uncertain significance for Hereditary cancer-predisposing syndrome. Last evaluated: 2025-07-01. Review status: criteria provided, single submitter. Criteria: Ambry Variant Classification Scheme 2023. Collection method: clinical testing. Allele origin: germline.
Comment: The p.G823A variant (also known as c.2468G>C), located in coding exon 21 of the POLE gene, results from a G to C substitution at nucleotide position 2468. The glycine at codon 823 is replaced by alanine, an amino acid with similar properties. However, this change occurs in the last base pair of coding exon 21, which makes it likely to have some effect on normal mRNA splicing. This nucleotide position is highly conserved in available vertebrate species. This amino acid position is highly conserved in available vertebrate species. In silico splice site analysis predicts that this alteration will result in the creation or strengthening of a novel splice donor site. In addition, as a missense substitution this is predicted to be inconclusive by in silico analysis. Based on the available evidence, the clinical significance of this variant remains unclear.

Labcorp Genetics (formerly Invitae), Labcorp
Classification: Uncertain significance. Last evaluated: 2020-06-03. Review status: criteria provided, single submitter. Criteria: Invitae Variant Classification Sherloc (09022015). Collection method: clinical testing. Allele origin: germline.
Comment: In summary, the available evidence is currently insufficient to determine the role of this variant in disease. Therefore, it has been classified as a Variant of Uncertain Significance. Nucleotide substitutions within the consensus splice site are a relatively common cause of aberrant splicing (PMID: 17576681, 9536098). Algorithms developed to predict the effect of sequence changes on RNA splicing suggest that this variant may disrupt the consensus splice site, but this prediction has not been confirmed by published transcriptional studies. This variant has not been reported in the literature in individuals with POLE-related disease. This variant is not present in population databases (ExAC no frequency). This sequence change replaces glycine with alanine at codon 823 of the POLE protein (p.Gly823Ala). The glycine residue is highly conserved and there is a small physicochemical difference between glycine and alanine. This variant also falls at the last nucleotide of exon 21 of the POLE coding sequence, which is part of the consensus splice site for this exon. Algorithms developed to predict the effect of missense changes on protein structure and function (SIFT, PolyPhen-2, Align-GVGD) all suggest that this variant is likely to be disruptive, but these predictions have not been confirmed by published functional studies and their clinical significance is uncertain.

Literature cited by the submitters: PubMed 17576681 (cited by Labcorp Genetics (formerly Invitae), Labcorp); PubMed 9536098 (cited by Labcorp Genetics (formerly Invitae), Labcorp).

NM_006231.4(POLE):c.2468G>C (p.Gly823Ala)

Gene: POLE (DNA polymerase epsilon, catalytic subunit; minus strand). Cytogenetic location: 12q24.33.
Variant type: single nucleotide variant.
Coding change: c.2468G>C on transcript NM_006231.4 (MANE Select); coding-DNA position 2468, G replaced by C.
Protein change: p.Gly823Ala; replaces glycine 823 with alanine.
Molecular consequence: missense variant.
Genome position (GRCh38, 1-based): chr12:132,665,302, C>G on the plus strand (G>C on the coding strand, the complement: POLE is on the minus strand). VCF-style: chr12-132665302-C-G. GRCh37 (hg19) VCF-style: chr12-133241888-C-G.
Other names: c.2468G>C (NM_006231.2); short protein forms G823A.
Identifiers: ClinVar variation 660525 (VCV000660525.9), dbSNP rs1593785122, ClinGen allele CA387396867.